The following is an entry in ClinVar:

ClinVar aggregate classification (germline): Uncertain significance (1 of 4 stars; one submission).

Conditions:
3-methylglutaconic aciduria with deafness, encephalopathy, and Leigh-like syndrome (MEGDEL). Also called: 3-METHYLGLUTACONIC ACIDURIA, TYPE VI; SERAC1 Deficiency; MEGDEL syndrome. Identifiers: Orphanet 352328, MedGen C4040739, MONDO:0013875, OMIM 614739.

gnomAD v4.1: 2 of 1,610,640 alleles (0.00012%); highest among the groups gnomAD compares: Admixed American, 0.0017%; no homozygotes.

Submission:

Labcorp Genetics (formerly Invitae), Labcorp
Classification: Uncertain significance for 3-methylglutaconic aciduria with deafness, encephalopathy, and Leigh-like syndrome. Last evaluated: 2022-07-01. Review status: criteria provided, single submitter. Criteria: Invitae Variant Classification Sherloc (09022015). Collection method: clinical testing. Allele origin: germline.
Comment: This sequence change falls in intron 12 of the SERAC1 gene. It does not directly change the encoded amino acid sequence of the SERAC1 protein. It affects a nucleotide within the consensus splice site. This variant is present in population databases (no rsID available, gnomAD 0.0009%). This variant has not been reported in the literature in individuals affected with SERAC1-related conditions. Variants that disrupt the consensus splice site are a relatively common cause of aberrant splicing (PMID: 17576681, 9536098). Algorithms developed to predict the effect of sequence changes on RNA splicing suggest that this variant is not likely to affect RNA splicing. In summary, the available evidence is currently insufficient to determine the role of this variant in disease. Therefore, it has been classified as a Variant of Uncertain Significance.

Literature cited by the submitters: PubMed 17576681; PubMed 9536098.

NM_032861.4(SERAC1):c.1308+6G>A

Gene: SERAC1 (serine active site containing 1; minus strand). Cytogenetic location: 6q25.3.
Variant type: single nucleotide variant.
Coding change: c.1308+6G>A on transcript NM_032861.4 (MANE Select); 6 bases into the intron after coding-DNA position 1308, G replaced by A.
Molecular consequence: intron variant.
Genome position (GRCh38, 1-based): chr6:158,119,023, C>T on the plus strand (G>A on the coding strand, the complement: SERAC1 is on the minus strand). VCF-style: chr6-158119023-C-T. GRCh37 (hg19) VCF-style: chr6-158540055-C-T.
Identifiers: ClinVar variation 2040826 (VCV002040826.4), dbSNP rs1478769857, ClinGen allele CA571468687.
Genomic context (GRCh38, chr6:158,119,023, plus strand): 5'-AGCCACAATCAGGGCCCCAGCAACCAGGGCCCCAGCAACCAGGGCCAGAGTCAGTGGCTC[C>T]CTTACCTTGGGCCAGCACGTCGTATATCTGTCTTCATCCTCCATAGGTTTTTCAATTACA-3'